The following is an entry in ClinVar:

NM_001267550.2(TTN):c.8365A>T (p.Arg2789Ter)

Gene: TTN (titin; minus strand). Cytogenetic location: 2q31.2.
Variant type: single nucleotide variant.
Coding change: c.8365A>T on transcript NM_001267550.2 (MANE Select); coding-DNA position 8365, A replaced by T.
Protein change: p.Arg2789Ter; replaces arginine 2789 with a stop codon.
Molecular consequence: nonsense.
Genome position (GRCh38, 1-based): chr2:178,770,427, T>A on the plus strand (A>T on the coding strand, the complement: TTN is on the minus strand). VCF-style: chr2-178770427-T-A. GRCh37 (hg19) VCF-style: chr2-179635154-T-A.
Other names: c.8365A>T, p.Arg2789Ter (NM_001256850.1, NM_133378.4, NM_133379.5); c.8227A>T, p.Arg2743Ter (NM_003319.4, NM_133432.3, NM_133437.4); short protein forms R2789*, R2743*.
Identifiers: ClinVar variation 535054 (VCV000535054.9), dbSNP rs1553995241, ClinGen allele CA349677563.

ClinVar aggregate classification (germline): Likely pathogenic (1 of 4 stars; one submission).

Conditions:
Autosomal recessive limb-girdle muscular dystrophy type 2J (LGMDR10). Also called: Limb-girdle muscular dystrophy, type 2J; MUSCULAR DYSTROPHY, LIMB-GIRDLE, AUTOSOMAL RECESSIVE 10. Identifiers: Orphanet 140922, MedGen C1837342, MONDO:0012127, OMIM 608807.
Dilated cardiomyopathy 1G (CMD1G). Identifiers: Orphanet 154, MedGen C1858763, MONDO:0011400, OMIM 604145.

Submission:

Labcorp Genetics (formerly Invitae), Labcorp
Classification: Likely pathogenic for Dilated cardiomyopathy 1G; Autosomal recessive limb-girdle muscular dystrophy type 2J. Last evaluated: 2025-10-21. Review status: criteria provided, single submitter. Criteria: Invitae Variant Classification Sherloc (09022015). Collection method: clinical testing. Allele origin: germline.
Comment: This sequence change creates a premature translational stop signal (p.Arg2789*) in the TTN gene. While this is not anticipated to result in nonsense mediated decay, it is expected to create a truncated TTN protein. This variant is not present in population databases (gnomAD no frequency). This variant has not been observed in the literature in individuals with autosomal recessive TTN-related conditions. This variant has been reported in individual(s) with dilated cardiomyopathy (internal data); however, the role of the variant in this condition is currently unclear. ClinVar contains an entry for this variant (Variation ID: 535054). This variant is located in the I band of TTN (PMID: 25589632). Truncating variants in this region have been reported in individuals affected with autosomal recessive centronuclear myopathy (PMID: 23975875, internal data). Truncating variants in this region have also been identified in individuals affected with autosomal dominant dilated cardiomyopathy and/or cardio-related conditions (PMID: 27869827, 32964742, internal data). In summary, the currently available evidence indicates that the variant is pathogenic, but additional data are needed to prove that conclusively. Therefore, this variant has been classified as Likely Pathogenic.

Literature cited by the submitters: PubMed 25589632; PubMed 23975875; PubMed 27869827; PubMed 32964742.